The following is an entry in ClinVar:

NM_001267550.2(TTN):c.104776A>T (p.Arg34926Trp)

Genes: TTN-AS1 (TTN antisense RNA 1; plus strand), TTN (titin; minus strand). Cytogenetic location: 2q31.2.
Variant type: single nucleotide variant.
Coding change: c.104776A>T on transcript NM_001267550.2 (MANE Select); coding-DNA position 104776, A replaced by T.
Protein change: p.Arg34926Trp; replaces arginine 34926 with tryptophan.
Molecular consequence: missense variant.
Genome position (GRCh38, 1-based): chr2:178,531,839, T>A on the plus strand (A>T on the coding strand, the complement: TTN is on the minus strand). VCF-style: chr2-178531839-T-A. GRCh37 (hg19) VCF-style: chr2-179396566-T-A.
Other names: c.99853A>T, p.Arg33285Trp (NM_001256850.1); c.77581A>T, p.Arg25861Trp (NM_003319.4); c.97072A>T, p.Arg32358Trp (NM_133378.4); c.77956A>T, p.Arg25986Trp (NM_133432.3); c.78157A>T, p.Arg26053Trp (NM_133437.4); short protein forms R25986W, R25861W, R32358W, R26053W, R33285W, R34926W.
Identifiers: ClinVar variation 1940674 (VCV001940674.5), dbSNP rs2468425211, ClinGen allele CA349410950.

ClinVar aggregate classification (germline): Uncertain significance (1 of 4 stars; one submission).

Conditions:
Dilated cardiomyopathy 1G (CMD1G). Identifiers: Orphanet 154, MedGen C1858763, MONDO:0011400, OMIM 604145.
Autosomal recessive limb-girdle muscular dystrophy type 2J (LGMDR10). Also called: Limb-girdle muscular dystrophy, type 2J; MUSCULAR DYSTROPHY, LIMB-GIRDLE, AUTOSOMAL RECESSIVE 10. Identifiers: Orphanet 140922, MedGen C1837342, MONDO:0012127, OMIM 608807.

Submission:

Labcorp Genetics (formerly Invitae), Labcorp
Classification: Uncertain significance for Dilated cardiomyopathy 1G; Autosomal recessive limb-girdle muscular dystrophy type 2J. Last evaluated: 2025-07-13. Review status: criteria provided, single submitter. Criteria: Invitae Variant Classification Sherloc (09022015). Collection method: clinical testing. Allele origin: germline.
Comment: This sequence change replaces arginine, which is basic and polar, with tryptophan, which is neutral and slightly polar, at codon 34926 of the TTN protein (p.Arg34926Trp). This variant is not present in population databases (gnomAD no frequency). This variant has not been reported in the literature in individuals affected with TTN-related conditions. ClinVar contains an entry for this variant (Variation ID: 1940674). Experimental studies and prediction algorithms are not available or were not evaluated, and the functional significance of this variant is currently unknown. This variant is located in the M band of TTN (PMID: 25589632). Non-truncating variants in this region may be relevant for neuromuscular disorders, but have not been definitively shown to cause cardiomyopathy (PMID: 23975875). In summary, the available evidence is currently insufficient to determine the role of this variant in disease. Therefore, it has been classified as a Variant of Uncertain Significance.

Literature cited by the submitters: PubMed 25589632; PubMed 23975875.